The following is an entry in ClinVar:

NM_001458.5(FLNC):c.1306T>C (p.Phe436Leu)

Gene: FLNC (filamin C; plus strand). Cytogenetic location: 7q32.1.
Variant type: single nucleotide variant.
Coding change: c.1306T>C on transcript NM_001458.5 (MANE Select); coding-DNA position 1306, T replaced by C.
Protein change: p.Phe436Leu; replaces phenylalanine 436 with leucine.
Molecular consequence: missense variant.
Genome position (GRCh38, 1-based): chr7:128,838,698, T>C. VCF-style: chr7-128838698-T-C. GRCh37 (hg19) VCF-style: chr7-128478752-T-C.
Other names: c.1306T>C, p.Phe436Leu (NM_001127487.2); short protein forms F436L.
Identifiers: ClinVar variation 1769534 (VCV001769534.3), dbSNP rs1585154064, ClinGen allele CA369224710.

ClinVar aggregate classification (germline): Uncertain significance. Review status: criteria provided, multiple submitters, no conflicts (2 of 4 stars). 2 submissions from 2 submitters: Uncertain significance (2). Last evaluated 2025-10-13.

Conditions:
Distal myopathy with posterior leg and anterior hand involvement. Also called: WILLIAMS DISTAL MYOPATHY. Identifiers: Orphanet 63273, MedGen C3279722, MONDO:0013550, OMIM 614065.
Myofibrillar myopathy 5. Also called: Filaminopathy (type); FILAMINOPATHY, AUTOSOMAL DOMINANT. Identifiers: Orphanet 171445, MedGen C1836050, MONDO:0012289, OMIM 609524.
Hypertrophic cardiomyopathy 26. Also called: Cardiomyopathy, familial hypertrophic, 26. Identifiers: Orphanet 75249, MedGen C4310749, MONDO:0014883, OMIM 617047.
Cardiovascular phenotype. Identifiers: MedGen CN230736.

Allele frequency attached by ClinVar (database versions not stated): gnomAD exomes below 0.00001.
gnomAD v4.1: 2 of 1,612,978 alleles (0.00012%); highest among the groups gnomAD compares: Non-Finnish European, 0.00017%; no homozygotes.

Submissions (2):

Labcorp Genetics (formerly Invitae), Labcorp
Classification: Uncertain significance for Distal myopathy with posterior leg and anterior hand involvement; Myofibrillar myopathy 5; Hypertrophic cardiomyopathy 26. Last evaluated: 2025-10-13. Review status: criteria provided, single submitter. Criteria: Invitae Variant Classification Sherloc (09022015). Collection method: clinical testing. Allele origin: germline.
Comment: This sequence change replaces phenylalanine, which is neutral and non-polar, with leucine, which is neutral and non-polar, at codon 436 of the FLNC protein (p.Phe436Leu). This variant is not present in population databases (gnomAD no frequency). This variant has not been reported in the literature in individuals affected with FLNC-related conditions. ClinVar contains an entry for this variant (Variation ID: 1769534). Invitae Evidence Modeling of protein sequence and biophysical properties (such as structural, functional, and spatial information, amino acid conservation, physicochemical variation, residue mobility, and thermodynamic stability) has been performed for this missense variant. However, the output from this modeling did not meet the statistical confidence thresholds required to predict the impact of this variant on FLNC protein function. In summary, the available evidence is currently insufficient to determine the role of this variant in disease. Therefore, it has been classified as a Variant of Uncertain Significance.

Ambry Genetics
Classification: Uncertain significance for Cardiovascular phenotype. Last evaluated: 2022-02-07. Review status: criteria provided, single submitter. Criteria: Ambry Variant Classification Scheme 2023. Collection method: clinical testing. Allele origin: germline.
Comment: The p.F436L variant (also known as c.1306T>C), located in coding exon 8 of the FLNC gene, results from a T to C substitution at nucleotide position 1306. The phenylalanine at codon 436 is replaced by leucine, an amino acid with highly similar properties. This amino acid position is conserved. In addition, the in silico prediction for this alteration is inconclusive. Since supporting evidence is limited at this time, the clinical significance of this alteration remains unclear.